The following is an entry in ClinVar:

NM_007186.6(CEP250):c.7328A>C (p.Ter2443Ser)

Gene: CEP250 (centrosomal protein 250; plus strand). Cytogenetic location: 20q11.22.
Variant type: single nucleotide variant.
Coding change: c.7328A>C on transcript NM_007186.6 (MANE Select); coding-DNA position 7328, A replaced by C.
Protein change: p.Ter2443Ser.
Molecular consequence: stop lost.
Genome position (GRCh38, 1-based): chr20:35,511,625, A>C. VCF-style: chr20-35511625-A-C. GRCh37 (hg19) VCF-style: chr20-34099454-A-C.
Other names: c.5432A>C, p.Ter1811Ser (NM_001318219.1).
Identifiers: ClinVar variation 2125694 (VCV002125694.4), dbSNP rs770612643, ClinGen allele CA9834286.

ClinVar aggregate classification (germline): Uncertain significance (1 of 4 stars; one submission).

Allele frequency attached by ClinVar (database versions not stated): gnomAD exomes below 0.00001; ExAC 0.00001.
gnomAD v4.1: 1 of 1,607,128 alleles (0.000062%); highest among the groups gnomAD compares: South Asian, 0.0011%; no homozygotes.

Submission:

Labcorp Genetics (formerly Invitae), Labcorp
Classification: Uncertain significance. Last evaluated: 2025-05-27. Review status: criteria provided, single submitter. Criteria: Invitae Variant Classification Sherloc (09022015). Collection method: clinical testing. Allele origin: germline.
Comment: This sequence change disrupts the translational stop signal of the CEP250 mRNA. It is expected to extend the length of the CEP250 protein by 33 additional amino acid residues. This variant is present in population databases (rs770612643, gnomAD 0.003%). This variant has not been reported in the literature in individuals affected with CEP250-related conditions. ClinVar contains an entry for this variant (Variation ID: 2125694). Experimental studies and prediction algorithms are not available or were not evaluated, and the functional significance of this variant is currently unknown. In summary, the available evidence is currently insufficient to determine the role of this variant in disease. Therefore, it has been classified as a Variant of Uncertain Significance.